The following is an entry in ClinVar:

ClinVar aggregate classification (germline): Conflicting classifications of pathogenicity. Review status: criteria provided, conflicting classifications (1 of 4 stars). 4 submissions from 4 submitters: Uncertain significance (1); Likely benign (3). Last evaluated 2026-01-27.

Conditions:
Nemaline myopathy 2 (NEM2). Also called: Nemaline myopathy 2, autosomal recessive. Identifiers: MedGen C1850569, MONDO:0009725, OMIM 256030.

Allele frequency attached by ClinVar (database versions not stated): ExAC 0.00059; 1000 Genomes Project 0.00140; 1000 Genomes Project 30x 0.00156; ESP Exome Variant Server 0.00175; gnomAD 0.00220 and 0.00238; TOPMed 0.00270.
gnomAD v4.1: 671 of 1,613,942 alleles (0.042%); highest among the groups gnomAD compares: African/African-American, 0.77%; 4 homozygotes.

Submissions (4):

Labcorp Genetics (formerly Invitae), Labcorp
Classification: Likely benign for Nemaline myopathy 2. Last evaluated: 2026-01-27. Review status: criteria provided, single submitter. Criteria: Invitae Variant Classification Sherloc (09022015). Collection method: clinical testing. Allele origin: germline.

GeneDx
Classification: Likely benign. Last evaluated: 2021-04-07. Review status: criteria provided, single submitter. Criteria: GeneDx Variant Classification Process June 2021. Collection method: clinical testing. Allele origin: germline. Affected: yes.

Baylor Genetics
Classification: Uncertain significance for Nemaline myopathy 2. Last evaluated: 2018-10-24. Review status: criteria provided, single submitter. Criteria: ACMG Guidelines, 2015. Collection method: clinical testing. Allele origin: maternal. Affected: yes.
Comment: This variant was determined to be of uncertain significance according to ACMG Guidelines, 2015 [PMID:25741868].

PreventionGenetics, part of Exact Sciences
Classification: Likely benign. Review status: criteria provided, single submitter. Criteria: ACMG Guidelines, 2015. Collection method: clinical testing. Allele origin: germline.

NM_001164508.2(NEB):c.9155G>A (p.Arg3052Gln)

Gene: NEB (nebulin; minus strand). Cytogenetic location: 2q23.3.
Variant type: single nucleotide variant.
Coding change: c.9155G>A on transcript NM_001164508.2 (MANE Select); coding-DNA position 9155, G replaced by A.
Protein change: p.Arg3052Gln; replaces arginine 3052 with glutamine.
Molecular consequence: missense variant. On other transcripts: intron variant (1).
Genome position (GRCh38, 1-based): chr2:151,633,913, C>T on the plus strand (G>A on the coding strand, the complement: NEB is on the minus strand). VCF-style: chr2-151633913-C-T. GRCh37 (hg19) VCF-style: chr2-152490427-C-T.
Other names: c.9155G>A, p.Arg3052Gln (NM_001164507.2, NM_001271208.2); c.8854-2735G>A (NM_004543.5); short protein forms R3052Q.
Identifiers: ClinVar variation 257838 (VCV000257838.16), dbSNP rs201176993, ClinGen allele CA1909387.